The following is an entry in ClinVar:

NM_004055.5(CAPN5):c.356G>T (p.Gly119Val)

Gene: CAPN5 (calpain 5; plus strand). Cytogenetic location: 11q13.5.
Variant type: single nucleotide variant.
Coding change: c.356G>T on transcript NM_004055.5 (MANE Select); coding-DNA position 356, G replaced by T.
Protein change: p.Gly119Val; replaces glycine 119 with valine.
Molecular consequence: missense variant. On other transcripts: non-coding transcript variant (1).
Genome position (GRCh38, 1-based): chr11:77,112,647, G>T. VCF-style: chr11-77112647-G-T. GRCh37 (hg19) VCF-style: chr11-76823693-G-T.
Other names: c.476G>T, p.Gly159Val (NM_001425321.1); c.356G>T, p.Gly119Val (NM_001425322.1); c.224G>T, p.Gly75Val (NM_001425323.1); short protein forms G159V, G119V, G75V.
Identifiers: ClinVar variation 4767810 (VCV004767810.2).

ClinVar aggregate classification (germline): Uncertain significance. Review status: criteria provided, multiple submitters, no conflicts (2 of 4 stars). 2 submissions from 2 submitters: Uncertain significance (2). Last evaluated 2025-02-06.

gnomAD v4.1: 2 of 1,614,200 alleles (0.00012%); highest among the groups gnomAD compares: African/African-American, 0.0027%; no homozygotes.

Submissions (2):

Labcorp Genetics (formerly Invitae), Labcorp
Classification: Uncertain significance. Last evaluated: 2025-02-06. Review status: criteria provided, single submitter. Criteria: Invitae Variant Classification Sherloc (09022015). Collection method: clinical testing. Allele origin: germline.
Comment: This sequence change replaces glycine, which is neutral and non-polar, with valine, which is neutral and non-polar, at codon 119 of the CAPN5 protein (p.Gly119Val). This variant is not present in population databases (gnomAD no frequency). This variant has not been reported in the literature in individuals affected with CAPN5-related conditions. Invitae Evidence Modeling of protein sequence and biophysical properties (such as structural, functional, and spatial information, amino acid conservation, physicochemical variation, residue mobility, and thermodynamic stability) indicates that this missense variant is expected to disrupt CAPN5 protein function with a positive predictive value of 80%. In summary, the available evidence is currently insufficient to determine the role of this variant in disease. Therefore, it has been classified as a Variant of Uncertain Significance.

Blueprint Genetics
Classification: Uncertain significance. Last evaluated: 2023-06-13. Review status: criteria provided, single submitter. Criteria: ACMG Guidelines, 2015. Collection method: clinical testing. Allele origin: germline.